The following is an entry in ClinVar:

NM_000287.4(PEX6):c.1549C>T (p.Arg517Trp)

Gene: PEX6 (peroxisomal biogenesis factor 6; minus strand). Cytogenetic location: 6p21.1.
Variant type: single nucleotide variant.
Coding change: c.1549C>T on transcript NM_000287.4 (MANE Select); coding-DNA position 1549, C replaced by T.
Protein change: p.Arg517Trp; replaces arginine 517 with tryptophan.
Molecular consequence: missense variant. On other transcripts: non-coding transcript variant (1).
Genome position (GRCh38, 1-based): chr6:42,968,429, G>A on the plus strand (C>T on the coding strand, the complement: PEX6 is on the minus strand). VCF-style: chr6-42968429-G-A. GRCh37 (hg19) VCF-style: chr6-42936167-G-A.
Other names: c.1285C>T, p.Arg429Trp (NM_001316313.2); short protein forms R517W, R429W.
Identifiers: ClinVar variation 1044547 (VCV001044547.7), dbSNP rs754790139, ClinGen allele CA3811300.

ClinVar aggregate classification (germline): Uncertain significance. Review status: criteria provided, multiple submitters, no conflicts (2 of 4 stars). 6 submissions from 6 submitters: Uncertain significance (5). 1 of the submissions does not count toward it. Last evaluated 2025-03-05.

Conditions:
PEX6-related disorder. Also called: PEX6-related disorders; PEX6-related condition.
Zellweger spectrum disorders (ZS). Also called: Zellweger Spectrum Disorder; Zellweger Spectrum; Zellweger syndrome; Zellweger Spectrum Disorder (ZSD). Identifiers: Orphanet 912, MedGen C0043459, MONDO:0019609.
Peroxisome biogenesis disorder. Identifiers: Orphanet 79189, MedGen C1832200, MONDO:0019234. Disease mechanism: loss of function.
Heimler syndrome 2 (HMLR2). Also called: PEROXISOME BIOGENESIS DISORDER 4C. Identifiers: Orphanet 3220, MedGen C4225267, OMIM 616617, MONDO:0014709.

Allele frequency attached by ClinVar (database versions not stated): ExAC below 0.00001; gnomAD exomes 0.00001 and 0.00002; gnomAD 0.00003; TOPMed 0.00007; 1000 Genomes Project 30x 0.00031.
gnomAD v4.1: 33 of 1,610,892 alleles (0.002%); highest among the groups gnomAD compares: African/African-American, 0.02%; no homozygotes.

Submissions (6):

PreventionGenetics, part of Exact Sciences
Classification: Uncertain significance for PEX6-related condition. Last evaluated: 2025-03-05. Review status: criteria provided, single submitter. Criteria: ACMG Guidelines, 2015. Collection method: clinical testing. Allele origin: germline.
Comment: The PEX6 c.1549C>T variant is predicted to result in the amino acid substitution p.Arg517Trp. To our knowledge, this variant has not been reported in the literature. This variant is reported in 0.0066% of alleles in individuals of African descent in gnomAD. At this time, the clinical significance of this variant is uncertain due to the absence of conclusive functional and genetic evidence.

GeneDx
Classification: Uncertain significance. Last evaluated: 2024-08-10. Review status: criteria provided, single submitter. Criteria: GeneDx Variant Classification Process June 2021. Collection method: clinical testing. Allele origin: germline. Affected: yes.
Comment: Not observed at significant frequency in large population cohorts (gnomAD); In silico analysis supports that this missense variant has a deleterious effect on protein structure/function; Has not been previously published as pathogenic or benign to our knowledge

Blueprint Genetics
Classification: Uncertain significance. Last evaluated: 2023-09-22. Review status: criteria provided, single submitter. Criteria: ACMG Guidelines, 2015. Collection method: clinical testing. Allele origin: germline.

Labcorp Genetics (formerly Invitae), Labcorp
Classification: Uncertain significance for Peroxisome biogenesis disorder. Last evaluated: 2022-08-19. Review status: criteria provided, single submitter. Criteria: Invitae Variant Classification Sherloc (09022015). Collection method: clinical testing. Allele origin: germline.
Comment: This sequence change replaces arginine, which is basic and polar, with tryptophan, which is neutral and slightly polar, at codon 517 of the PEX6 protein (p.Arg517Trp). This variant is present in population databases (rs754790139, gnomAD 0.007%). This variant has not been reported in the literature in individuals affected with PEX6-related conditions. ClinVar contains an entry for this variant (Variation ID: 1044547). Algorithms developed to predict the effect of missense changes on protein structure and function output the following: SIFT: "Deleterious"; PolyPhen-2: "Benign"; Align-GVGD: "Class C25". The tryptophan amino acid residue is found in multiple mammalian species, which suggests that this missense change does not adversely affect protein function. In summary, the available evidence is currently insufficient to determine the role of this variant in disease. Therefore, it has been classified as a Variant of Uncertain Significance.

CENTOGENE GmbH and LLC - Guiding Precision Medicine
Classification: Uncertain significance for Heimler syndrome 2. Last evaluated: 2019-06-21. Review status: criteria provided, single submitter. Criteria: ACMG Guidelines, 2015. Collection method: clinical testing. Allele origin: germline.

Natera, Inc.
Classification: Uncertain significance for Zellweger syndrome. Last evaluated: 2020-03-13. Review status: no assertion criteria provided. Collection method: clinical testing. Allele origin: germline. Not counted in ClinVar's aggregate classification.